The following is an entry in ClinVar:

NM_006393.3(NEBL):c.535C>T (p.Arg179Ter)

Gene: NEBL (nebulette; minus strand). Cytogenetic location: 10p12.31.
Variant type: single nucleotide variant.
Coding change: c.535C>T on transcript NM_006393.3 (MANE Select); coding-DNA position 535, C replaced by T.
Protein change: p.Arg179Ter; replaces arginine 179 with a stop codon.
Molecular consequence: nonsense. On other transcripts: intron variant (9).
Genome position (GRCh38, 1-based): chr10:20,869,787, G>A on the plus strand (C>T on the coding strand, the complement: NEBL is on the minus strand). VCF-style: chr10-20869787-G-A. GRCh37 (hg19) VCF-style: chr10-21158716-G-A.
Other names: c.250-56847C>T (NM_001377326.1, NM_001377327.1, NM_001377328.1); c.358-56847C>T (NM_213569.2, NM_001173484.2, NM_001377322.1); c.301-56847C>T (NM_001377324.1); c.292-56847C>T (NM_001377325.1); c.310-56847C>T (NM_001377323.1); short protein forms R179*.
Identifiers: ClinVar variation 569179 (VCV000569179.13), dbSNP rs370153729, ClinGen allele CA5433208.
Genomic context (GRCh38, chr10:20,869,787, plus strand): 5'-AAAGAGAAGTTACATTGCTTATGATCTTAGAGATCTGGGTTGCCATCTTGATGTCTGGTC[G>A]GTCAAGTTCTGCACTGTACGTGTGGGTGTCCTGCACGTCTTTCCTATAAGAAATCTGATC-3'

ClinVar aggregate classification (germline): Uncertain significance. Review status: criteria provided, multiple submitters, no conflicts (2 of 4 stars). 4 submissions from 4 submitters: Uncertain significance (4). Last evaluated 2026-06-16.

Conditions:
Hypertrophic cardiomyopathy. Also called: HYPERTROPHIC MYOCARDIOPATHY. Identifiers: Orphanet 217569, MedGen C0007194, MeSH D002312, MONDO:0005045, HP:0001639.
Cardiac arrest. Identifiers: MedGen C0018790, MONDO:0000745, HP:0001695.
NEBL-related disorder. Also called: NEBL-related condition.
Primary dilated cardiomyopathy (DCM). Also called: Dilated Cardiomyopathy. Identifiers: Orphanet 217604, MedGen C0007193, MeSH D002311, MONDO:0005021, HP:0001644. Inheritance: Various modes of inheritance.

Allele frequency attached by ClinVar (database versions not stated): ExAC 0.00004; gnomAD 0.00007; TOPMed 0.00007; ESP Exome Variant Server 0.00008; gnomAD exomes 0.00001.

Submissions (4):

PreventionGenetics, part of Exact Sciences
Classification: Uncertain significance for NEBL-related condition. Last evaluated: 2026-06-16. Review status: criteria provided, single submitter. Criteria: ACMG Guidelines, 2015. Collection method: clinical testing. Allele origin: germline.
Comment: The NEBL c.535C>T variant is predicted to result in premature protein termination (p.Arg179*). The p.Arg179* variant has been reported in an individual with atrial flutter, left bundle branch block, and left ventricular hypertrophy (Arbustini et al. 2018. Inherited Cardiac Muscle Disease: Dilated Cardiomyopathy. Kumar and Elliott (Eds.) Cardiovascular Genetics and Genomics. Springer Nature). This variant is reported in 0.0080% of alleles in individuals of African descent in gnomAD. Loss of function is not an established mechanism of NEBL-related disease. At this time, the clinical significance of this variant is uncertain due to the absence of conclusive functional and genetic evidence.

Labcorp Genetics (formerly Invitae), Labcorp
Classification: Uncertain significance for Primary dilated cardiomyopathy. Last evaluated: 2026-01-06. Review status: criteria provided, single submitter. Criteria: Invitae Variant Classification Sherloc (09022015). Collection method: clinical testing. Allele origin: germline.
Comment: This sequence change creates a premature translational stop signal (p.Arg179*) in the NEBL gene. It is expected to result in an absent or disrupted protein product. However, the current clinical and genetic evidence is not sufficient to establish whether loss-of-function variants in NEBL cause disease. This variant is present in population databases (rs370153729, gnomAD 0.01%). This variant has not been reported in the literature in individuals affected with NEBL-related conditions. ClinVar contains an entry for this variant (Variation ID: 569179). Algorithms developed to predict the effect of sequence changes on RNA splicing suggest that this variant may disrupt the consensus splice site. In summary, the available evidence is currently insufficient to determine the role of this variant in disease. Therefore, it has been classified as a Variant of Uncertain Significance.

Victorian Clinical Genetics Services, Murdoch Childrens Research Institute
Classification: Uncertain significance for Hypertrophic cardiomyopathy. Last evaluated: 2022-02-02. Review status: criteria provided, single submitter. Criteria: ACMG Guidelines, 2015. Collection method: clinical testing. Allele origin: germline. Inheritance: Autosomal dominant inheritance. Affected: yes.
Comment: Based on the classification scheme VCGS_Germline_v1.3.4, this variant is classified as VUS-3B. Following criteria are met: 0105 - The mechanism of disease for this gene is not clearly established. However, loss of function is an unlikely mechanism of disease, as null mouse models have normal cardiac function (PMID: 25987543). (I) 0107 - This gene is associated with autosomal dominant disease. (I) 0201 - Variant is predicted to cause nonsense-mediated decay (NMD) and loss of protein (premature termination codon is located at least 54 nucleotides upstream of the final exon-exon junction). (SP) 0251 - This variant is heterozygous. (I) 0302 - Variant is present in gnomAD (v3) <0.001 for a dominant condition (11 heterozygotes, 0 homozygotes). (SP) 0710 – Other NMD predicted variants comparable to the one identified in this case have inconclusive previous evidence for pathogenicity. Other variants predicted to cause NMD have been reported as VUS in ClinVar. (I) 0809 - Previous evidence of pathogenicity for this variant is inconclusive. This variant has been reported as a VUS in ClinVar. (I) 0905 - No published segregation evidence has been identified for this variant. (I) 1007 - No published functional evidence has been identified for this variant. (I) 1208 - Inheritance information for this variant is not currently available in this individual. (I) Legend: (SP) - Supporting pathogenic, (I) - Information, (SB) - Supporting benign

Agnes Ginges Centre for Molecular Cardiology, Centenary Institute
Classification: Uncertain significance for hypertrophic cardiomyopathy; cardiac arrest. Last evaluated: 2018-10-15. Review status: criteria provided, single submitter. Criteria: ACMG Guidelines, 2015. Collection method: research. Allele origin: germline. Inheritance: Autosomal dominant inheritance. Affected: yes.
Comment: NEBL Arg179Ter has been previously reported in heterozygous form in a patient presenting with fatigue, attributed to atrial flutter, left bundle branch block, enlarged LV and reduced ejection fraction (Arbustini et al., 2018), and homozygous form in an infant with pulmonary hypertension and LV dysfunction (Scott et al., 2018). We identified this heterozygous variant in 2 probands of Maori descent; 1 with HCM and 1 out of hospital cardiac arrest. NEBL Arg179Ter is present in the Genome Aggregation Database (MAF= 0.000022), however Oceanian/Polynesian ethnicity's are not well represented. As a result we classify NEBL Arg179Ter as a variant of 'uncertain significance'.

Literature cited by the submitters: PubMed 25987543 (cited by Victorian Clinical Genetics Services, Murdoch Childrens Research Institute).